The following is an entry in ClinVar:

NM_032776.3(JMJD1C):c.5492-50_5503del

Gene: JMJD1C (jumonji domain containing 1C; minus strand). Cytogenetic location: 10q21.3.
Variant type: Deletion.
Coding change: c.5492-50_5503del on transcript NM_032776.3 (MANE Select); 50 bases into the intron before coding-DNA position 5492 through coding-DNA position 5503, 62 bases deleted.
Molecular consequence: splice acceptor variant.
Genome position (GRCh38, 1-based): chr10:63,197,552-63,197,613, 62 bases deleted. GRCh37 (hg19): chr10:64,957,337-64,957,398.
Other names: c.4835-50_4846del (NM_001322258.2, NM_001322254.2); c.4946-50_4957del (NM_001318154.2, NM_001282948.2); c.5378-50_5389del (NM_001322252.2); c.4628-50_4639del (NM_001318153.2).
Identifiers: ClinVar variation 3678598 (VCV003678598.2).

ClinVar aggregate classification (germline): Uncertain significance (1 of 4 stars; one submission).

Conditions:
Early Myoclonic Encephalopathy. Identifiers: MedGen C0270855.

Submission:

Labcorp Genetics (formerly Invitae), Labcorp
Classification: Uncertain significance for Early Myoclonic Encephalopathy. Last evaluated: 2024-05-14. Review status: criteria provided, single submitter. Criteria: Invitae Variant Classification Sherloc (09022015). Collection method: clinical testing. Allele origin: germline.
Comment: This variant results in the deletion of part of exon 13 (c.5492-50_5503del) of the JMJD1C gene. It is expected to disrupt RNA splicing. Variants that disrupt the donor or acceptor splice site typically lead to a loss of protein function (PMID: 16199547), however the current clinical and genetic evidence is not sufficient to establish whether loss-of-function variants in JMJD1C cause disease. This variant is not present in population databases (gnomAD no frequency). This variant has not been reported in the literature in individuals affected with JMJD1C-related conditions. Experimental studies and prediction algorithms are not available or were not evaluated, and the functional significance of this variant is currently unknown. In summary, the available evidence is currently insufficient to determine the role of this variant in disease. Therefore, it has been classified as a Variant of Uncertain Significance.

Literature cited by the submitters: PubMed 16199547.